The following is an entry in ClinVar:

ClinVar aggregate classification (germline): Uncertain significance. Review status: criteria provided, multiple submitters, no conflicts (2 of 4 stars). 3 submissions from 3 submitters: Uncertain significance (3). Last evaluated 2026-01-12.

Conditions:
Inborn genetic diseases. Identifiers: MedGen C0950123, MeSH D030342.

Allele frequency attached by ClinVar (database versions not stated): ExAC 0.00001; gnomAD exomes 0.00002; TOPMed 0.00002.
gnomAD v4.1: 55 of 1,611,626 alleles (0.0034%); highest among the groups gnomAD compares: East Asian, 0.016%; no homozygotes.

Submissions (3):

Labcorp Genetics (formerly Invitae), Labcorp
Classification: Uncertain significance. Last evaluated: 2026-01-12. Review status: criteria provided, single submitter. Criteria: Invitae Variant Classification Sherloc (09022015). Collection method: clinical testing. Allele origin: germline.
Comment: This sequence change replaces arginine, which is basic and polar, with glutamine, which is neutral and polar, at codon 355 of the CACNA2D4 protein (p.Arg355Gln). This variant is present in population databases (rs781209342, gnomAD 0.004%). This variant has not been reported in the literature in individuals affected with CACNA2D4-related conditions. ClinVar contains an entry for this variant (Variation ID: 855007). An algorithm developed to predict the effect of missense changes on protein structure and function (PolyPhen-2) suggests that this variant is likely to be disruptive. In summary, the available evidence is currently insufficient to determine the role of this variant in disease. Therefore, it has been classified as a Variant of Uncertain Significance.

Ambry Genetics
Classification: Uncertain significance for Inborn genetic diseases. Last evaluated: 2024-12-23. Review status: criteria provided, single submitter. Criteria: Ambry Variant Classification Scheme 2023. Collection method: clinical testing. Allele origin: germline.

Blueprint Genetics
Classification: Uncertain significance. Last evaluated: 2021-03-29. Review status: criteria provided, single submitter. Criteria: ACMG Guidelines, 2015. Collection method: clinical testing. Allele origin: germline.

NM_172364.5(CACNA2D4):c.1064G>A (p.Arg355Gln)

Gene: CACNA2D4 (calcium voltage-gated channel auxiliary subunit alpha2delta 4; minus strand). Cytogenetic location: 12p13.33.
Variant type: single nucleotide variant.
Coding change: c.1064G>A on transcript NM_172364.5 (MANE Select); coding-DNA position 1064, G replaced by A.
Protein change: p.Arg355Gln; replaces arginine 355 with glutamine.
Molecular consequence: missense variant.
Genome position (GRCh38, 1-based): chr12:1,885,969, C>T on the plus strand (G>A on the coding strand, the complement: CACNA2D4 is on the minus strand). VCF-style: chr12-1885969-C-T. GRCh37 (hg19) VCF-style: chr12-1995135-C-T.
Other names: short protein forms R355Q.
Identifiers: ClinVar variation 855007 (VCV000855007.9), dbSNP rs781209342, ClinGen allele CA6387304.